The following is an entry in ClinVar:

NM_001283009.2(RTEL1):c.1571A>G (p.Gln524Arg)

Genes: RTEL1 (regulator of telomere elongation helicase 1; plus strand), RTEL1-TNFRSF6B (RTEL1-TNFRSF6B readthrough (NMD candidate); plus strand). Cytogenetic location: 20q13.33.
Variant type: single nucleotide variant.
Coding change: c.1571A>G on transcript NM_001283009.2 (MANE Select); coding-DNA position 1571, A replaced by G.
Protein change: p.Gln524Arg; replaces glutamine 524 with arginine.
Molecular consequence: missense variant. On other transcripts: non-coding transcript variant (1).
Genome position (GRCh38, 1-based): chr20:63,688,026, A>G. VCF-style: chr20-63688026-A-G. GRCh37 (hg19) VCF-style: chr20-62319379-A-G.
Other names: c.902A>G, p.Gln301Arg (NM_001283010.1); c.1571A>G, p.Gln524Arg (NM_016434.4); c.1643A>G, p.Gln548Arg (NM_032957.5); short protein forms Q301R, Q524R, Q548R.
Identifiers: ClinVar variation 3763913 (VCV003763913.3).

ClinVar aggregate classification (germline): Uncertain significance. Review status: criteria provided, multiple submitters, no conflicts (2 of 4 stars). 2 submissions from 2 submitters: Uncertain significance (2). Last evaluated 2026-03-02.

Conditions:
Inborn genetic diseases. Identifiers: MedGen C0950123, MeSH D030342.
Dyskeratosis congenita, autosomal recessive 5 (DKCB5). Identifiers: MedGen C3554656, MONDO:0014076, OMIM 615190.
Pulmonary fibrosis and/or bone marrow failure, Telomere-related, 3. Also called: PULMONARY FIBROSIS AND/OR BONE MARROW FAILURE SYNDROME, TELOMERE-RELATED, 3. Identifiers: Orphanet 2032, MedGen C4225346, MONDO:0014613, OMIM 616373.

Submissions (2):

Ambry Genetics
Classification: Uncertain significance for Inborn genetic diseases. Last evaluated: 2026-03-02. Review status: criteria provided, single submitter. Criteria: Ambry Variant Classification Scheme 2023. Collection method: clinical testing. Allele origin: germline.
Comment: The p.Q524R variant (also known as c.1571A>G), located in coding exon 17 of the RTEL1 gene, results from an A to G substitution at nucleotide position 1571. The glutamine at codon 524 is replaced by arginine, an amino acid with highly similar properties. This amino acid position is conserved. In addition, this alteration is predicted to be tolerated by in silico analysis. Based on the available evidence, the clinical significance of this variant remains unclear.

Labcorp Genetics (formerly Invitae), Labcorp
Classification: Uncertain significance for Dyskeratosis congenita, autosomal recessive 5; Pulmonary fibrosis and/or bone marrow failure, Telomere-related, 3. Last evaluated: 2024-05-03. Review status: criteria provided, single submitter. Criteria: Invitae Variant Classification Sherloc (09022015). Collection method: clinical testing. Allele origin: germline.
Comment: This sequence change replaces glutamine, which is neutral and polar, with arginine, which is basic and polar, at codon 524 of the RTEL1 protein (p.Gln524Arg). This variant is not present in population databases (gnomAD no frequency). This variant has not been reported in the literature in individuals affected with RTEL1-related conditions. An algorithm developed to predict the effect of missense changes on protein structure and function (PolyPhen-2) suggests that this variant is likely to be tolerated. In summary, the available evidence is currently insufficient to determine the role of this variant in disease. Therefore, it has been classified as a Variant of Uncertain Significance.